The following is an entry in ClinVar:

NM_004304.5(ALK):c.1840T>C (p.Trp614Arg)

Gene: ALK (ALK receptor tyrosine kinase; minus strand). Cytogenetic location: 2p23.2.
Variant type: single nucleotide variant.
Coding change: c.1840T>C on transcript NM_004304.5 (MANE Select); coding-DNA position 1840, T replaced by C.
Protein change: p.Trp614Arg; replaces tryptophan 614 with arginine.
Molecular consequence: missense variant.
Genome position (GRCh38, 1-based): chr2:29,275,474, A>G on the plus strand (T>C on the coding strand, the complement: ALK is on the minus strand). VCF-style: chr2-29275474-A-G. GRCh37 (hg19) VCF-style: chr2-29498340-A-G.
Other names: short protein forms W614R.
Identifiers: ClinVar variation 4834377 (VCV004834377.1).

ClinVar aggregate classification (germline): Uncertain significance (1 of 4 stars; one submission).

Conditions:
Hereditary cancer-predisposing syndrome. Also called: Neoplastic Syndromes, Hereditary; Tumor predisposition; Hereditary Cancer Syndrome; Hereditary neoplastic syndrome. Identifiers: Orphanet 140162, MedGen C0027672, MeSH D009386, MONDO:0015356.

gnomAD v4.1: 3 of 1,614,204 alleles (0.00019%); highest among the groups gnomAD compares: South Asian, 0.0033%; no homozygotes.

Submission:

Ambry Genetics
Classification: Uncertain significance for Hereditary cancer-predisposing syndrome. Last evaluated: 2026-01-19. Review status: criteria provided, single submitter. Criteria: Ambry Variant Classification Scheme 2023. Collection method: clinical testing. Allele origin: germline.
Comment: The p.W614R variant (also known as c.1840T>C), located in coding exon 10 of the ALK gene, results from a T to C substitution at nucleotide position 1840. The tryptophan at codon 614 is replaced by arginine, an amino acid with dissimilar properties. This amino acid position is conserved. In addition, the in silico prediction for this alteration is inconclusive. Based on the available evidence, the clinical significance of this variant remains unclear.